The following is an entry in ClinVar:

ClinVar aggregate classification (germline): Conflicting classifications of pathogenicity. Review status: criteria provided, conflicting classifications (1 of 4 stars). 7 submissions from 5 submitters: Likely pathogenic (1); Uncertain significance (6). Last evaluated 2025-07-07.

Conditions:
Usher syndrome type 1 (USH1). Also called: RETINITIS PIGMENTOSA AND CONGENITAL DEAFNESS. Identifiers: Orphanet 231169, Orphanet 886, MedGen C1568247, MONDO:0010168, OMIM 276900.
MYO7A-related disorder. Also called: MYO7A-related disorders.
Autosomal recessive nonsyndromic hearing loss 2. Also called: DEAFNESS, AUTOSOMAL RECESSIVE 2; NEUROSENSORY NONSYNDROMIC RECESSIVE DEAFNESS 2. Identifiers: Orphanet 90636, MedGen C1838701, MONDO:0010807, OMIM 600060.
Autosomal dominant nonsyndromic hearing loss 11. Identifiers: Orphanet 90635, MedGen C1832475, MONDO:0011032, OMIM 601317.

Allele frequency attached by ClinVar (database versions not stated): gnomAD exomes 0.00002 and 0.00004; ExAC 0.00003; TOPMed 0.00004; ESP Exome Variant Server 0.00008; gnomAD 0.00009.

Submissions (7):

PreventionGenetics, part of Exact Sciences
Classification: Uncertain significance for MYO7A-related condition. Last evaluated: 2025-07-07. Review status: criteria provided, single submitter. Criteria: ACMG Guidelines, 2015. Collection method: clinical testing. Allele origin: germline.
Comment: The MYO7A c.1970G>A variant is predicted to result in the amino acid substitution p.Arg657Gln. To our knowledge, this variant has not been reported in the literature. This variant is reported in 0.014% of alleles in individuals of South Asian descent in gnomAD. A different amino acid change at this position (p.Arg657Trp) was previously reported in individuals with Usher syndrome (see, for example, Bahena et al. 2021. PubMed ID: 34148116). At this time, the clinical significance of the p.Arg657Gln variant is uncertain due to the absence of conclusive functional and genetic evidence.

Labcorp Genetics (formerly Invitae), Labcorp
Classification: Likely pathogenic. Last evaluated: 2025-06-13. Review status: criteria provided, single submitter. Criteria: Invitae Variant Classification Sherloc (09022015). Collection method: clinical testing. Allele origin: germline.
Comment: This sequence change replaces arginine, which is basic and polar, with glutamine, which is neutral and polar, at codon 657 of the MYO7A protein (p.Arg657Gln). This variant is present in population databases (rs375457812, gnomAD 0.01%). This variant has not been reported in the literature in individuals affected with MYO7A-related conditions. ClinVar contains an entry for this variant (Variation ID: 883481). Invitae Evidence Modeling of protein sequence and biophysical properties (such as structural, functional, and spatial information, amino acid conservation, physicochemical variation, residue mobility, and thermodynamic stability) has been performed for this missense variant. However, the output from this modeling did not meet the statistical confidence thresholds required to predict the impact of this variant on MYO7A protein function. This variant disrupts the p.Arg657 amino acid residue in MYO7A. Other variant(s) that disrupt this residue have been determined to be pathogenic (PMID: 24105371, 26309859, 26338283, 27460420). This suggests that this residue is clinically significant, and that variants that disrupt this residue are likely to be disease-causing. In summary, the currently available evidence indicates that the variant is pathogenic, but additional data are needed to prove that conclusively. Therefore, this variant has been classified as Likely Pathogenic.

GeneDx
Classification: Uncertain significance. Last evaluated: 2024-12-18. Review status: criteria provided, single submitter. Criteria: GeneDx Variant Classification Process June 2021. Collection method: clinical testing. Allele origin: germline. Affected: yes.
Comment: In silico analysis supports that this missense variant has a deleterious effect on protein structure/function; Has not been previously published as pathogenic or benign to our knowledge; This variant is associated with the following publications: (PMID: 27460420, 26309859, 26338283, 24105371)

Blueprint Genetics
Classification: Uncertain significance. Last evaluated: 2023-01-20. Review status: criteria provided, single submitter. Criteria: ACMG Guidelines, 2015. Collection method: clinical testing. Allele origin: germline.

Illumina Laboratory Services, Illumina
Classification: Uncertain significance for Usher syndrome type 1. Last evaluated: 2018-01-13. Review status: criteria provided, single submitter. Criteria: ICSL Variant Classification Criteria 13 December 2019. Collection method: clinical testing. Allele origin: germline.

Illumina Laboratory Services, Illumina
Classification: Uncertain significance for Autosomal recessive nonsyndromic hearing loss 2. Last evaluated: 2018-01-13. Review status: criteria provided, single submitter. Criteria: ICSL Variant Classification Criteria 13 December 2019. Collection method: clinical testing. Allele origin: germline.

Illumina Laboratory Services, Illumina
Classification: Uncertain significance for Autosomal dominant nonsyndromic hearing loss 11. Last evaluated: 2018-01-13. Review status: criteria provided, single submitter. Criteria: ICSL Variant Classification Criteria 13 December 2019. Collection method: clinical testing. Allele origin: germline.

Literature cited by the submitters: PubMed 24105371 (cited by Labcorp Genetics (formerly Invitae), Labcorp); PubMed 26309859 (cited by Labcorp Genetics (formerly Invitae), Labcorp); PubMed 26338283 (cited by Labcorp Genetics (formerly Invitae), Labcorp); PubMed 27460420 (cited by Labcorp Genetics (formerly Invitae), Labcorp).

NM_000260.4(MYO7A):c.1970G>A (p.Arg657Gln)

Gene: MYO7A (myosin VIIA; plus strand). Cytogenetic location: 11q13.5.
Variant type: single nucleotide variant.
Coding change: c.1970G>A on transcript NM_000260.4 (MANE Select); coding-DNA position 1970, G replaced by A.
Protein change: p.Arg657Gln; replaces arginine 657 with glutamine.
Molecular consequence: missense variant.
Genome position (GRCh38, 1-based): chr11:77,174,790, G>A. VCF-style: chr11-77174790-G-A. GRCh37 (hg19) VCF-style: chr11-76885836-G-A.
Other names: c.1970G>A, p.Arg657Gln (NM_001127180.2); c.1937G>A, p.Arg646Gln (NM_001369365.1); short protein forms R646Q, R657Q.
Identifiers: ClinVar variation 883481 (VCV000883481.12), dbSNP rs375457812, ClinGen allele CA6197656.